The following is an entry in ClinVar:

ClinVar aggregate classification (germline): Likely pathogenic (1 of 4 stars; one submission).

Submission:

Labcorp Genetics (formerly Invitae), Labcorp
Classification: Likely pathogenic. Last evaluated: 2019-09-04. Review status: criteria provided, single submitter. Criteria: Invitae Variant Classification Sherloc (09022015). Collection method: clinical testing. Allele origin: germline.
Comment: This variant is not present in population databases (ExAC no frequency). In summary, the currently available evidence indicates that the variant is pathogenic, but additional data are needed to prove that conclusively. Therefore, this variant has been classified as Likely Pathogenic. Donor and acceptor splice site variants typically lead to a loss of protein function (PMID: 16199547), and loss-of-function variants in PHEX are known to be pathogenic (PMID: 9097956, 9106524, 19219621). Algorithms developed to predict the effect of sequence changes on RNA splicing suggest that this variant may disrupt the consensus splice site, but this prediction has not been confirmed by published transcriptional studies. This variant has not been reported in the literature in individuals with PHEX-related conditions. This sequence change affects a donor splice site in intron 1 of the PHEX gene. It is expected to disrupt RNA splicing and likely results in an absent or disrupted protein product.

Literature cited by the submitters: PubMed 16199547; PubMed 9097956; PubMed 9106524; PubMed 19219621.

NM_000444.6(PHEX):c.118+2del

Gene: PHEX (phosphate regulating endopeptidase X-linked; plus strand). Cytogenetic location: Xp22.11.
Variant type: Deletion.
Coding change: c.118+2del on transcript NM_000444.6 (MANE Select); the canonical splice donor site of the intron after coding-DNA position 118, one base deleted (T; older notation c.118+2delT).
Molecular consequence: splice donor variant.
Genome position (GRCh38, 1-based): chrX:22,033,125, T deleted. VCF-style (leftmost placement, unchanged base first): chrX-22033124-GT-G. GRCh37 (hg19) VCF-style: chrX-22051242-GT-G.
Other names: c.118+2del (NM_001282754.2).
Identifiers: ClinVar variation 935890 (VCV000935890.8), dbSNP rs1926875686, ClinGen allele CA1139667275.